The following is an entry in ClinVar:

ClinVar aggregate classification (germline): Benign (1 of 4 stars; one submission).

Allele frequency attached by ClinVar (database versions not stated): 1000 Genomes Project 0.28574; 1000 Genomes Project 30x 0.28951; gnomAD 0.29167 and 0.29675; TOPMed 0.30244.
gnomAD v4.1: 44,152 of 151,204 alleles (29%); highest among the groups gnomAD compares: African/African-American, 38%; 6,661 homozygotes.

Submission:

GeneDx
Classification: Benign. Last evaluated: 2018-06-15. Review status: criteria provided, single submitter. Criteria: GeneDx Variant Classification (06012015). Collection method: clinical testing. Allele origin: germline. Affected: yes.
Comment: This variant is considered likely benign or benign based on one or more of the following criteria: it is a conservative change, it occurs at a poorly conserved position in the protein, it is predicted to be benign by multiple in silico algorithms, and/or has population frequency not consistent with disease.

NM_001105206.3(LAMA4):c.2494-199C>T

Gene: LAMA4 (laminin subunit alpha 4; minus strand). Cytogenetic location: 6q21.
Variant type: single nucleotide variant.
Coding change: c.2494-199C>T on transcript NM_001105206.3 (MANE Select); 199 bases into the intron before coding-DNA position 2494, C replaced by T.
Molecular consequence: intron variant.
Genome position (GRCh38, 1-based): chr6:112,142,491, G>A on the plus strand (C>T on the coding strand, the complement: LAMA4 is on the minus strand). VCF-style: chr6-112142491-G-A. GRCh37 (hg19) VCF-style: chr6-112463693-G-A.
Other names: c.2473-199C>T (NM_002290.5, NM_001105207.3).
Identifiers: ClinVar variation 673046 (VCV000673046.1), dbSNP rs7742931, ClinGen allele CA15471565.